The following is an entry in ClinVar:

ClinVar aggregate classification (germline): Uncertain significance. Review status: criteria provided, multiple submitters, no conflicts (2 of 4 stars). 2 submissions from 2 submitters: Uncertain significance (2). Last evaluated 2025-10-25.

Conditions:
Hereditary cancer-predisposing syndrome. Also called: Hereditary Cancer Syndrome; Hereditary neoplastic syndrome; Neoplastic Syndromes, Hereditary; Tumor predisposition. Identifiers: Orphanet 140162, MedGen C0027672, MeSH D009386, MONDO:0015356.
Gastrointestinal stromal tumor. Also called: Gastrointestinal stroma tumor; Gastrointestinal stromal tumor, somatic. Identifiers: Orphanet 44890, MedGen C0238198, MeSH D046152, MONDO:0011719, OMIM 606764, HP:0100723.

Allele frequency attached by ClinVar (database versions not stated): gnomAD 0.00001; TOPMed 0.00001.
gnomAD v4.1: 3 of 1,612,470 alleles (0.00019%); highest among the groups gnomAD compares: Non-Finnish European, 0.00025%; no homozygotes.

Submissions (2):

Ambry Genetics
Classification: Uncertain significance for Hereditary cancer-predisposing syndrome. Last evaluated: 2025-10-25. Review status: criteria provided, single submitter. Criteria: Ambry Variant Classification Scheme 2023. Collection method: clinical testing. Allele origin: germline.
Comment: The p.D388N variant (also known as c.1162G>A), located in coding exon 7 of the PDGFRA gene, results from a G to A substitution at nucleotide position 1162. The aspartic acid at codon 388 is replaced by asparagine, an amino acid with highly similar properties. This amino acid position is conserved. In addition, the in silico prediction for this alteration is inconclusive. Since supporting evidence is limited at this time, the clinical significance of this alteration remains unclear.

Labcorp Genetics (formerly Invitae), Labcorp
Classification: Uncertain significance for Gastrointestinal stromal tumor. Last evaluated: 2024-06-17. Review status: criteria provided, single submitter. Criteria: Invitae Variant Classification Sherloc (09022015). Collection method: clinical testing. Allele origin: germline.
Comment: This sequence change replaces aspartic acid, which is acidic and polar, with asparagine, which is neutral and polar, at codon 388 of the PDGFRA protein (p.Asp388Asn). This variant is present in population databases (no rsID available, gnomAD 0.002%). This variant has not been reported in the literature in individuals affected with PDGFRA-related conditions. ClinVar contains an entry for this variant (Variation ID: 2155707). Advanced modeling of protein sequence and biophysical properties (such as structural, functional, and spatial information, amino acid conservation, physicochemical variation, residue mobility, and thermodynamic stability) performed at Invitae indicates that this missense variant is not expected to disrupt PDGFRA protein function with a negative predictive value of 80%. In summary, the available evidence is currently insufficient to determine the role of this variant in disease. Therefore, it has been classified as a Variant of Uncertain Significance.

NM_006206.6(PDGFRA):c.1162G>A (p.Asp388Asn)

Gene: PDGFRA (platelet derived growth factor receptor alpha; plus strand). Cytogenetic location: 4q12.
Variant type: single nucleotide variant.
Coding change: c.1162G>A on transcript NM_006206.6 (MANE Select); coding-DNA position 1162, G replaced by A.
Protein change: p.Asp388Asn; replaces aspartic acid 388 with asparagine.
Molecular consequence: missense variant.
Genome position (GRCh38, 1-based): chr4:54,270,673, G>A. VCF-style: chr4-54270673-G-A. GRCh37 (hg19) VCF-style: chr4-55136840-G-A.
Other names: c.1162G>A, p.Asp388Asn (NM_001347827.2, NM_001347829.2); c.1237G>A, p.Asp413Asn (NM_001347828.2); c.1201G>A, p.Asp401Asn (NM_001347830.2); short protein forms D401N, D413N, D388N.
Identifiers: ClinVar variation 2155707 (VCV002155707.6), dbSNP rs1227372630, ClinGen allele CA356891949.